The following is an entry in ClinVar:

ClinVar aggregate classification (germline): Uncertain significance (1 of 4 stars; one submission).

Conditions:
Inborn genetic diseases. Identifiers: MedGen C0950123, MeSH D030342.

gnomAD v4.1: 14 of 1,506,196 alleles (0.00093%); highest among the groups gnomAD compares: African/African-American, 0.0014%; no homozygotes.

Submission:

Ambry Genetics
Classification: Uncertain significance for Inborn genetic diseases. Last evaluated: 2021-07-13. Review status: criteria provided, single submitter. Criteria: Ambry Variant Classification Scheme 2023. Collection method: clinical testing. Allele origin: germline.
Comment: The c.1564-4C>T intronic alteration consists of a C to T substitution 4 nucleotides before coding exon 18 in the CUX1 gene. Based on insufficient or conflicting evidence, the clinical significance of this alteration remains unclear.

NM_001913.5(CUX1):c.1564-4C>T

Gene: CUX1 (cut like homeobox 1; plus strand). Cytogenetic location: 7q22.1.
Variant type: single nucleotide variant.
Coding change: c.1564-4C>T on transcript NM_001913.5 (MANE Plus Clinical); 4 bases into the intron before coding-DNA position 1564, C replaced by T.
Molecular consequence: intron variant.
Genome position (GRCh38, 1-based): chr7:102,277,945, C>T. VCF-style: chr7-102277945-C-T. GRCh37 (hg19) VCF-style: chr7-101921216-C-T.
Other names: c.1558-4C>T (NM_181500.4); c.1426-4C>T (NM_001202545.3); c.1516-4C>T (NM_001202544.3); c.1447-4C>T (NM_001202546.3).
Identifiers: ClinVar variation 2232797 (VCV002232797.2), dbSNP rs374801556, ClinGen allele CA4411720.